The following is an entry in ClinVar:

ClinVar aggregate classification (germline): Benign. Review status: criteria provided, multiple submitters, no conflicts (2 of 4 stars). 6 submissions from 6 submitters: Benign (6). Last evaluated 2026-02-01.

Conditions:
Hypoparathyroidism, deafness, renal disease syndrome (HDRS). Also called: HYPOPARATHYROIDISM, SENSORINEURAL DEAFNESS, AND RENAL DYSPLASIA SYNDROME. Identifiers: Orphanet 2237, MedGen C1840333, MONDO:0007797, OMIM 146255.

Allele frequency attached by ClinVar (database versions not stated): 1000 Genomes Project 30x 0.01499; ExAC 0.03024; gnomAD 0.03143 and 0.03082; gnomAD exomes 0.04236 and 0.03021; TOPMed 0.03382; 1000 Genomes Project 0.01518; ESP Exome Variant Server 0.03668.
gnomAD v4.1: 66,517 of 1,613,952 alleles (4.1%); highest among the groups gnomAD compares: Non-Finnish European, 5%; 1,685 homozygotes.

Submissions (6):

Labcorp Genetics (formerly Invitae), Labcorp
Classification: Benign. Last evaluated: 2026-02-01. Review status: criteria provided, single submitter. Criteria: Invitae Variant Classification Sherloc (09022015). Collection method: clinical testing. Allele origin: germline.

Mayo Clinic Laboratories, Mayo Clinic
Classification: Benign. Last evaluated: 2022-11-14. Review status: criteria provided, single submitter. Criteria: ACMG Guidelines, 2015. Collection method: clinical testing. Allele origin: germline. Observed: 19 variant alleles.
Comment: BS1, BS2, BP4, BP7

Illumina Laboratory Services, Illumina
Classification: Benign for Hypoparathyroidism, deafness, renal disease syndrome. Last evaluated: 2018-01-13. Review status: criteria provided, single submitter. Criteria: ICSL Variant Classification Criteria 13 December 2019. Collection method: clinical testing. Allele origin: germline.
Comment: This variant was observed in the ICSL laboratory as part of a predisposition screen in an ostensibly healthy population. It had not been previously curated by ICSL or reported in the Human Gene Mutation Database (HGMD: prior to June 1st, 2018), and was therefore a candidate for classification through an automated scoring system. Utilizing variant allele frequency, disease prevalence and penetrance estimates, and inheritance mode, an automated score was calculated to assess if this variant is too frequent to cause the disease. Based on the score and internal cut-off values, a variant classified as benign is not then subjected to further curation. The score for this variant resulted in a classification of benign for this disease.

GeneDx
Classification: Benign. Last evaluated: 2017-08-16. Review status: criteria provided, single submitter. Criteria: GeneDx Variant Classification (06012015). Collection method: clinical testing. Allele origin: germline. Affected: yes.
Comment: This variant is considered likely benign or benign based on one or more of the following criteria: it is a conservative change, it occurs at a poorly conserved position in the protein, it is predicted to be benign by multiple in silico algorithms, and/or has population frequency not consistent with disease.

Breakthrough Genomics
Classification: Benign. Review status: criteria provided, single submitter. Criteria: ACMG Guidelines, 2015. Collection method: not provided. Allele origin: germline. Inheritance: Autosomal dominant inheritance. Affected: yes.

PreventionGenetics, part of Exact Sciences
Classification: Benign. Review status: criteria provided, single submitter. Criteria: ACMG Guidelines, 2015. Collection method: clinical testing. Allele origin: germline.

NM_001002295.2(GATA3):c.1257G>A (p.Thr419=)

Gene: GATA3 (GATA binding protein 3; plus strand). Cytogenetic location: 10p14.
Variant type: single nucleotide variant.
Coding change: c.1257G>A on transcript NM_001002295.2 (MANE Select); coding-DNA position 1257, G replaced by A.
Protein change: p.Thr419=; no amino-acid change (threonine 419 retained).
Molecular consequence: synonymous variant.
Genome position (GRCh38, 1-based): chr10:8,073,945, G>A. VCF-style: chr10-8073945-G-A. GRCh37 (hg19) VCF-style: chr10-8115908-G-A.
Other names: p.Thr419=; c.1254G>A, p.Thr418= (NM_002051.3).
Identifiers: ClinVar variation 256852 (VCV000256852.15), dbSNP rs11567941, ClinGen allele CA5404576.